The following is an entry in ClinVar:

NM_002432.3(MNDA):c.424G>A (p.Glu142Lys)

Gene: MNDA (myeloid cell nuclear differentiation antigen; plus strand). Cytogenetic location: 1q23.1.
Variant type: single nucleotide variant.
Coding change: c.424G>A on transcript NM_002432.3 (MANE Select); coding-DNA position 424, G replaced by A.
Protein change: p.Glu142Lys; replaces glutamic acid 142 with lysine.
Molecular consequence: missense variant.
Genome position (GRCh38, 1-based): chr1:158,843,976, G>A. VCF-style: chr1-158843976-G-A. GRCh37 (hg19) VCF-style: chr1-158813766-G-A.
Other names: short protein forms E142K.
Identifiers: ClinVar variation 2497053 (VCV002497053.2), dbSNP rs1015920906, ClinGen allele CA31304172.

ClinVar aggregate classification (germline): Uncertain significance (1 of 4 stars; one submission).

Allele frequency attached by ClinVar (database versions not stated): TOPMed below 0.00001.

Submission:

Ambry Genetics
Classification: Uncertain significance. Last evaluated: 2022-11-19. Review status: criteria provided, single submitter. Criteria: Ambry Variant Classification Scheme 2023. Collection method: clinical testing. Allele origin: germline.
Comment: The p.E142K variant (also known as c.424G>A), located in coding exon 3 of the MNDA gene, results from a G to A substitution at nucleotide position 424. The glutamic acid at codon 142 is replaced by lysine, an amino acid with similar properties. This amino acid position is conserved. In addition, this alteration is predicted to be tolerated by in silico analysis. Since supporting evidence is limited at this time, the clinical significance of this alteration remains unclear.